The following is an entry in ClinVar:

ClinVar aggregate classification (germline): Uncertain significance (1 of 4 stars; one submission).

Submission:

Labcorp Genetics (formerly Invitae), Labcorp
Classification: Uncertain significance. Last evaluated: 2021-07-10. Review status: criteria provided, single submitter. Criteria: Invitae Variant Classification Sherloc (09022015). Collection method: clinical testing. Allele origin: germline.
Comment: In summary, the available evidence is currently insufficient to determine the role of this variant in disease. Therefore, it has been classified as a Variant of Uncertain Significance. Advanced modeling of protein sequence and biophysical properties (such as structural, functional, and spatial information, amino acid conservation, physicochemical variation, residue mobility, and thermodynamic stability) performed at Invitae indicates that this missense variant is expected to disrupt MYO7A protein function. This variant has not been reported in the literature in individuals affected with MYO7A-related conditions. This variant is not present in population databases (ExAC no frequency). This sequence change replaces proline with alanine at codon 1909 of the MYO7A protein (p.Pro1909Ala). The proline residue is highly conserved and there is a small physicochemical difference between proline and alanine.

NM_000260.4(MYO7A):c.5725C>G (p.Pro1909Ala)

Gene: MYO7A (myosin VIIA; plus strand). Cytogenetic location: 11q13.5.
Variant type: single nucleotide variant.
Coding change: c.5725C>G on transcript NM_000260.4 (MANE Select); coding-DNA position 5725, C replaced by G.
Protein change: p.Pro1909Ala; replaces proline 1909 with alanine.
Molecular consequence: missense variant.
Genome position (GRCh38, 1-based): chr11:77,206,185, C>G. VCF-style: chr11-77206185-C-G. GRCh37 (hg19) VCF-style: chr11-76917230-C-G.
Other names: c.5611C>G, p.Pro1871Ala (NM_001127180.2); c.5578C>G, p.Pro1860Ala (NM_001369365.1); short protein forms P1860A, P1871A, P1909A.
Identifiers: ClinVar variation 1404966 (VCV001404966.8), dbSNP rs1468924531, ClinGen allele CA381953359.